The following is an entry in ClinVar:

NM_001170535.3(ATAD3A):c.547A>G (p.Lys183Glu)

Gene: ATAD3A (ATPase family AAA domain containing 3A; plus strand). Cytogenetic location: 1p36.33.
Variant type: single nucleotide variant.
Coding change: c.547A>G on transcript NM_001170535.3 (MANE Select); coding-DNA position 547, A replaced by G.
Protein change: p.Lys183Glu; replaces lysine 183 with glutamic acid.
Molecular consequence: missense variant.
Genome position (GRCh38, 1-based): chr1:1,520,173, A>G. VCF-style: chr1-1520173-A-G. GRCh37 (hg19) VCF-style: chr1-1455553-A-G.
Other names: c.310A>G, p.Lys104Glu (NM_001170536.3); c.691A>G, p.Lys231Glu (NM_018188.5); short protein forms K104E, K183E, K231E.
Identifiers: ClinVar variation 1698743 (VCV001698743.2), dbSNP rs1193481758, ClinGen allele CA337853759.

ClinVar aggregate classification (germline): Uncertain significance (1 of 4 stars; one submission).

Conditions:
Harel-Yoon syndrome (HAYOS). Also called: Optic atrophy-peripheral neuropathy-developmental delay syndrome. Identifiers: Orphanet 496790, MedGen C4310677, MONDO:0014958, OMIM 617183.

Submission:

Genetics and Molecular Pathology, SA Pathology
Classification: Uncertain significance for Harel-Yoon syndrome. Last evaluated: 2022-01-14. Review status: criteria provided, single submitter. Criteria: ACMG Guidelines, 2015. Collection method: clinical testing. Allele origin: germline. Inheritance: Autosomal dominant inheritance. Affected: yes.
Comment: The ATAD3A c.547A>G variant is classified as a VARIANT of UNCERTAIN SIGNIFICANCE (PP3, PM2) The ATAD3A c.547A>G variant is a single nucleotide change in exon 6/16 of the ATAD3A gene, which is predicted to change the amino acid lysine at position 183 in the protein to glutamic acid. This variant has not been reported in dbSNP and is absent from population databases (PM2). This variant has not been reported in the ClinVar or HGMD disease databases. Computational predictions support a deleterious effect on the gene or gene product (PP3).